The following is an entry in ClinVar:

NM_001330260.2(SCN8A):c.1319A>G (p.Lys440Arg)

Gene: SCN8A (sodium voltage-gated channel alpha subunit 8; plus strand). Cytogenetic location: 12q13.13.
Variant type: single nucleotide variant.
Coding change: c.1319A>G on transcript NM_001330260.2 (MANE Select); coding-DNA position 1319, A replaced by G.
Protein change: p.Lys440Arg; replaces lysine 440 with arginine.
Molecular consequence: missense variant.
Genome position (GRCh38, 1-based): chr12:51,705,601, A>G. VCF-style: chr12-51705601-A-G. GRCh37 (hg19) VCF-style: chr12-52099385-A-G.
Other names: c.1319A>G, p.Lys440Arg (NM_001177984.3, NM_001369788.1, NM_014191.4); c.1319A>G (NM_014191.3); short protein forms K440R.
Identifiers: ClinVar variation 1396861 (VCV001396861.11), dbSNP rs1003938127, ClinGen allele CA236263830.
Genomic context (GRCh38, chr12:51,705,601, plus strand): 5'-CAACACTGGAGGAGGCAGAACAAAAAGAGGCTGAATTTAAAGCAATGTTGGAGCAACTTA[A>G]GAAGCAACAGGAAGAGGCACAGGTTGGTGATGAATTCTTTGCAATAGACCTTCCTGCCAG-3'
Protein context (NP_001317189.1, residues 430-450): AEFKAMLEQL[Lys440Arg]KQQEEAQAAA

ClinVar aggregate classification (germline): Uncertain significance. Review status: criteria provided, multiple submitters, no conflicts (2 of 4 stars). 3 submissions from 3 submitters: Uncertain significance (3). Last evaluated 2025-05-11.

Conditions:
Early-infantile DEE. Also called: Ohtahara syndrome; Early infantile epileptic encephalopathy; Early infantile epileptic encephalopathy with suppression bursts. Identifiers: Orphanet 1934, MedGen C0393706, MONDO:0800491.

Allele frequency attached by ClinVar (database versions not stated): gnomAD 0.00001.
gnomAD v4.1: 7 of 1,613,580 alleles (0.00043%); highest among the groups gnomAD compares: Admixed American, 0.0017%; no homozygotes.

Submissions (3):

Labcorp Genetics (formerly Invitae), Labcorp
Classification: Uncertain significance for Early-infantile DEE. Last evaluated: 2025-05-11. Review status: criteria provided, single submitter. Criteria: Invitae Variant Classification Sherloc (09022015). Collection method: clinical testing. Allele origin: germline.
Comment: This sequence change replaces lysine, which is basic and polar, with arginine, which is basic and polar, at codon 440 of the SCN8A protein (p.Lys440Arg). This variant is present in population databases (no rsID available, gnomAD 0.06%). This variant has not been reported in the literature in individuals affected with SCN8A-related conditions. ClinVar contains an entry for this variant (Variation ID: 1396861). Invitae Evidence Modeling of protein sequence and biophysical properties (such as structural, functional, and spatial information, amino acid conservation, physicochemical variation, residue mobility, and thermodynamic stability) indicates that this missense variant is not expected to disrupt SCN8A protein function with a negative predictive value of 95%. In summary, the available evidence is currently insufficient to determine the role of this variant in disease. Therefore, it has been classified as a Variant of Uncertain Significance.

Blueprint Genetics
Classification: Uncertain significance. Last evaluated: 2024-06-10. Review status: criteria provided, single submitter. Criteria: ACMG Guidelines, 2015. Collection method: clinical testing. Allele origin: germline.

GeneDx
Classification: Uncertain significance. Last evaluated: 2023-11-15. Review status: criteria provided, single submitter. Criteria: GeneDx Variant Classification Process June 2021. Collection method: clinical testing. Allele origin: germline. Affected: yes.
Comment: In silico analysis supports that this missense variant has a deleterious effect on protein structure/function; Missense variants in this gene are a common cause of disease and they are underrepresented in the general population; Predicted to be located within the cytoplasmic loop between the first and second homologous domains; Has not been previously published as pathogenic or benign to our knowledge